The following is an entry in ClinVar:

NM_001194.4(HCN2):c.1584+7C>T

Gene: HCN2 (hyperpolarization activated cyclic nucleotide gated potassium and sodium channel 2; plus strand). Cytogenetic location: 19p13.3.
Variant type: single nucleotide variant.
Coding change: c.1584+7C>T on transcript NM_001194.4 (MANE Select); 7 bases into the intron after coding-DNA position 1584, C replaced by T.
Molecular consequence: intron variant.
Genome position (GRCh38, 1-based): chr19:610,412, C>T. VCF-style: chr19-610412-C-T. GRCh37 (hg19) VCF-style: chr19-610412-C-T.
Identifiers: ClinVar variation 402923 (VCV000402923.7), dbSNP rs55978915, ClinGen allele CA9018506.

ClinVar aggregate classification (germline): Likely benign. Review status: criteria provided, single submitter (1 of 4 stars). 2 submissions from 2 submitters: Likely benign (1). 1 of the submissions does not count toward it. Last evaluated 2016-04-25.

Conditions:
HCN2-related disorder. Also called: HCN2-related condition.

Allele frequency attached by ClinVar (database versions not stated): 1000 Genomes Project 0.00459; 1000 Genomes Project 30x 0.00500; TOPMed 0.01138; gnomAD 0.01244 and 0.01331; ESP Exome Variant Server 0.01292; gnomAD exomes 0.01388; ExAC 0.01483.
gnomAD v4.1: 27,602 of 1,611,018 alleles (1.7%); highest among the groups gnomAD compares: Non-Finnish European, 2%; 293 homozygotes.

Submissions (30):

Laboratory for Molecular Medicine, Mass General Brigham Personalized Medicine
Classification: Likely benign. Last evaluated: 2016-04-25. Review status: criteria provided, single submitter. Criteria: LMM Criteria. Collection method: clinical testing. Allele origin: germline.
Comment: Variant identified in a genome or exome case(s) and assessed due to predicted null impact of the variant or pathogenic assertions in the literature or databases. Disclaimer: This variant has not undergone full assessment. The following are preliminary notes: Frequency in ESP (all): 168/13002=1.2%

PreventionGenetics, part of Exact Sciences
Classification: Benign for HCN2-related condition. Last evaluated: 2019-03-18. Review status: no assertion criteria provided. Collection method: clinical testing. Allele origin: germline. Not counted in ClinVar's aggregate classification.
Comment: This variant is classified as benign based on ACMG/AMP sequence variant interpretation guidelines (Richards et al. 2015 PMID: 25741868, with internal and published modifications).

Dr. Peter K. Rogan Lab, Western University
No classification provided (evidence only). Condition: Lung cancer. Review status: no classification provided. Collection method: in vitro. Allele origin: not applicable. Functional consequence: retained intron. Not counted in ClinVar's aggregate classification.

Dr. Peter K. Rogan Lab, Western University
No classification provided (evidence only). Condition: Lung cancer. Review status: no classification provided. Collection method: in vitro. Allele origin: not applicable. Functional consequence: retained intron. Not counted in ClinVar's aggregate classification.

Dr. Peter K. Rogan Lab, Western University
No classification provided (evidence only). Condition: Lung cancer. Review status: no classification provided. Collection method: in vitro. Allele origin: not applicable. Functional consequence: retained intron. Not counted in ClinVar's aggregate classification.

Dr. Peter K. Rogan Lab, Western University
No classification provided (evidence only). Condition: Lung cancer. Review status: no classification provided. Collection method: in vitro. Allele origin: not applicable. Functional consequence: retained intron. Not counted in ClinVar's aggregate classification.

Dr. Peter K. Rogan Lab, Western University
No classification provided (evidence only). Condition: Lung cancer. Review status: no classification provided. Collection method: in vitro. Allele origin: not applicable. Functional consequence: retained intron. Not counted in ClinVar's aggregate classification.

Dr. Peter K. Rogan Lab, Western University
No classification provided (evidence only). Condition: Acute myeloid leukemia. Review status: no classification provided. Collection method: in vitro. Allele origin: not applicable. Functional consequence: retained intron. Not counted in ClinVar's aggregate classification.

Dr. Peter K. Rogan Lab, Western University
No classification provided (evidence only). Condition: Acute myeloid leukemia. Review status: no classification provided. Collection method: in vitro. Allele origin: not applicable. Functional consequence: retained intron. Not counted in ClinVar's aggregate classification.

Dr. Peter K. Rogan Lab, Western University
No classification provided (evidence only). Condition: Uterine corpus endometrial carcinoma. Review status: no classification provided. Collection method: in vitro. Allele origin: not applicable. Functional consequence: retained intron. Not counted in ClinVar's aggregate classification.

Dr. Peter K. Rogan Lab, Western University
No classification provided (evidence only). Condition: Uterine corpus endometrial carcinoma. Review status: no classification provided. Collection method: in vitro. Allele origin: not applicable. Functional consequence: retained intron. Not counted in ClinVar's aggregate classification.

Dr. Peter K. Rogan Lab, Western University
No classification provided (evidence only). Condition: Uterine corpus endometrial carcinoma. Review status: no classification provided. Collection method: in vitro. Allele origin: not applicable. Functional consequence: retained intron. Not counted in ClinVar's aggregate classification.

Dr. Peter K. Rogan Lab, Western University
No classification provided (evidence only). Condition: Cervical cancer. Review status: no classification provided. Collection method: in vitro. Allele origin: not applicable. Functional consequence: retained intron. Not counted in ClinVar's aggregate classification.

Dr. Peter K. Rogan Lab, Western University
No classification provided (evidence only). Condition: Cervical cancer. Review status: no classification provided. Collection method: in vitro. Allele origin: not applicable. Functional consequence: retained intron. Not counted in ClinVar's aggregate classification.

Dr. Peter K. Rogan Lab, Western University
No classification provided (evidence only). Condition: Cervical cancer. Review status: no classification provided. Collection method: in vitro. Allele origin: not applicable. Functional consequence: retained intron. Not counted in ClinVar's aggregate classification.

Dr. Peter K. Rogan Lab, Western University
No classification provided (evidence only). Condition: Sarcoma. Review status: no classification provided. Collection method: in vitro. Allele origin: not applicable. Functional consequence: retained intron. Not counted in ClinVar's aggregate classification.

Dr. Peter K. Rogan Lab, Western University
No classification provided (evidence only). Condition: Sarcoma. Review status: no classification provided. Collection method: in vitro. Allele origin: not applicable. Functional consequence: retained intron. Not counted in ClinVar's aggregate classification.

Dr. Peter K. Rogan Lab, Western University
No classification provided (evidence only). Condition: Sarcoma. Review status: no classification provided. Collection method: in vitro. Allele origin: not applicable. Functional consequence: retained intron. Not counted in ClinVar's aggregate classification.

Dr. Peter K. Rogan Lab, Western University
No classification provided (evidence only). Condition: Thymoma. Review status: no classification provided. Collection method: in vitro. Allele origin: not applicable. Functional consequence: retained intron. Not counted in ClinVar's aggregate classification.

Dr. Peter K. Rogan Lab, Western University
No classification provided (evidence only). Condition: Thymoma. Review status: no classification provided. Collection method: in vitro. Allele origin: not applicable. Functional consequence: retained intron. Not counted in ClinVar's aggregate classification.

Dr. Peter K. Rogan Lab, Western University
No classification provided (evidence only). Condition: Thymoma. Review status: no classification provided. Collection method: in vitro. Allele origin: not applicable. Functional consequence: retained intron. Not counted in ClinVar's aggregate classification.

Dr. Peter K. Rogan Lab, Western University
No classification provided (evidence only). Condition: Thymoma. Review status: no classification provided. Collection method: in vitro. Allele origin: not applicable. Functional consequence: retained intron. Not counted in ClinVar's aggregate classification.

Dr. Peter K. Rogan Lab, Western University
No classification provided (evidence only). Condition: Ovarian serous cystadenocarcinoma. Review status: no classification provided. Collection method: in vitro. Allele origin: not applicable. Functional consequence: retained intron. Not counted in ClinVar's aggregate classification.

Dr. Peter K. Rogan Lab, Western University
No classification provided (evidence only). Condition: Ovarian serous cystadenocarcinoma. Review status: no classification provided. Collection method: in vitro. Allele origin: not applicable. Functional consequence: retained intron. Not counted in ClinVar's aggregate classification.

Dr. Peter K. Rogan Lab, Western University
No classification provided (evidence only). Condition: Gastric cancer. Review status: no classification provided. Collection method: in vitro. Allele origin: not applicable. Functional consequence: retained intron. Not counted in ClinVar's aggregate classification.

Dr. Peter K. Rogan Lab, Western University
No classification provided (evidence only). Condition: Uterine carcinosarcoma. Review status: no classification provided. Collection method: in vitro. Allele origin: not applicable. Functional consequence: retained intron. Not counted in ClinVar's aggregate classification.

Dr. Peter K. Rogan Lab, Western University
No classification provided (evidence only). Condition: Uterine carcinosarcoma. Review status: no classification provided. Collection method: in vitro. Allele origin: not applicable. Functional consequence: retained intron. Not counted in ClinVar's aggregate classification.

Dr. Peter K. Rogan Lab, Western University
No classification provided (evidence only). Condition: Uterine carcinosarcoma. Review status: no classification provided. Collection method: in vitro. Allele origin: not applicable. Functional consequence: retained intron. Not counted in ClinVar's aggregate classification.

Dr. Peter K. Rogan Lab, Western University
No classification provided (evidence only). Condition: Uveal melanoma. Review status: no classification provided. Collection method: in vitro. Allele origin: not applicable. Functional consequence: retained intron. Not counted in ClinVar's aggregate classification.

Dr. Peter K. Rogan Lab, Western University
No classification provided (evidence only). Condition: Malignant tumor of esophagus. Review status: no classification provided. Collection method: in vitro. Allele origin: not applicable. Functional consequence: retained intron. Not counted in ClinVar's aggregate classification.